The following is an entry in ClinVar:

NM_015346.4(ZFYVE26):c.2135G>A (p.Ser712Asn)

Gene: ZFYVE26 (zinc finger FYVE-type containing 26; minus strand). Cytogenetic location: 14q24.1.
Variant type: single nucleotide variant.
Coding change: c.2135G>A on transcript NM_015346.4 (MANE Select); coding-DNA position 2135, G replaced by A.
Protein change: p.Ser712Asn; replaces serine 712 with asparagine.
Molecular consequence: missense variant.
Genome position (GRCh38, 1-based): chr14:67,798,127, C>T on the plus strand (G>A on the coding strand, the complement: ZFYVE26 is on the minus strand). VCF-style: chr14-67798127-C-T. GRCh37 (hg19) VCF-style: chr14-68264844-C-T.
Other names: short protein forms S712N.
Identifiers: ClinVar variation 2066175 (VCV002066175.4), dbSNP rs2502856133, ClinGen allele CA390175098.

ClinVar aggregate classification (germline): Uncertain significance (1 of 4 stars; one submission).

Conditions:
Spastic paraplegia. Identifiers: MedGen C0037772, HP:0001258.

Submission:

Labcorp Genetics (formerly Invitae), Labcorp
Classification: Uncertain significance for Spastic paraplegia. Last evaluated: 2023-04-24. Review status: criteria provided, single submitter. Criteria: Invitae Variant Classification Sherloc (09022015). Collection method: clinical testing. Allele origin: germline.
Comment: This sequence change replaces serine, which is neutral and polar, with asparagine, which is neutral and polar, at codon 712 of the ZFYVE26 protein (p.Ser712Asn). This variant is not present in population databases (gnomAD no frequency). This variant has not been reported in the literature in individuals affected with ZFYVE26-related conditions. ClinVar contains an entry for this variant (Variation ID: 2066175). An algorithm developed to predict the effect of missense changes on protein structure and function (PolyPhen-2) suggests that this variant is likely to be tolerated. In summary, the available evidence is currently insufficient to determine the role of this variant in disease. Therefore, it has been classified as a Variant of Uncertain Significance.